The following is an entry in ClinVar:

NM_014014.5(SNRNP200):c.4645G>T (p.Ala1549Ser)

Gene: SNRNP200 (small nuclear ribonucleoprotein U5 subunit 200; minus strand). Cytogenetic location: 2q11.2.
Variant type: single nucleotide variant.
Coding change: c.4645G>T on transcript NM_014014.5 (MANE Select); coding-DNA position 4645, G replaced by T.
Protein change: p.Ala1549Ser; replaces alanine 1549 with serine.
Molecular consequence: missense variant.
Genome position (GRCh38, 1-based): chr2:96,283,653, C>A on the plus strand (G>T on the coding strand, the complement: SNRNP200 is on the minus strand). VCF-style: chr2-96283653-C-A. GRCh37 (hg19) VCF-style: chr2-96949391-C-A.
Other names: short protein forms A1549S.
Identifiers: ClinVar variation 4763393 (VCV004763393.1).
Genomic context (GRCh38, chr2:96,283,653, plus strand): 5'-TCTGCTTGCGAGACGGCACAAAGACAATGACAGGCTTCTTGGGCGAGTGCTTGGTGATAG[C>A]ATGGTACACAGGCTTGGCCATGGAGAGCAGGCGGGTTTGTGTATGGCTGATGTTGAAGCC-3'
Protein context (NP_054733.2, residues 1539-1559): LLSMAKPVYH[Ala1549Ser]ITKHSPKKPV

ClinVar aggregate classification (germline): Uncertain significance (1 of 4 stars; one submission).

Submission:

Labcorp Genetics (formerly Invitae), Labcorp
Classification: Uncertain significance. Last evaluated: 2025-10-27. Review status: criteria provided, single submitter. Criteria: Invitae Variant Classification Sherloc (09022015). Collection method: clinical testing. Allele origin: germline.
Comment: This sequence change replaces alanine, which is neutral and non-polar, with serine, which is neutral and polar, at codon 1549 of the SNRNP200 protein (p.Ala1549Ser). This variant is not present in population databases (gnomAD no frequency). This variant has not been reported in the literature in individuals affected with SNRNP200-related conditions. Invitae Evidence Modeling of protein sequence and biophysical properties (such as structural, functional, and spatial information, amino acid conservation, physicochemical variation, residue mobility, and thermodynamic stability) indicates that this missense variant is not expected to disrupt SNRNP200 protein function with a negative predictive value of 95%. In summary, the available evidence is currently insufficient to determine the role of this variant in disease. Therefore, it has been classified as a Variant of Uncertain Significance.